The following is an entry in ClinVar:

ClinVar aggregate classification (germline): Uncertain significance. Review status: criteria provided, multiple submitters, no conflicts (2 of 4 stars). 5 submissions from 5 submitters: Uncertain significance (5). Last evaluated 2025-04-20.

Conditions:
COG5-congenital disorder of glycosylation. Also called: CONGENITAL DISORDER OF GLYCOSYLATION, TYPE IIi; CDG IIi; COG5-CDG. Identifiers: Orphanet 263487, MedGen C3150876, MONDO:0013325, OMIM 613612.
Inborn genetic diseases. Identifiers: MedGen C0950123, MeSH D030342.

Allele frequency attached by ClinVar (database versions not stated): TOPMed 0.00014; ESP Exome Variant Server 0.00015; gnomAD 0.00016 and 0.00017.
gnomAD v4.1: 142 of 1,614,040 alleles (0.0088%); highest among the groups gnomAD compares: African/African-American, 0.04%; no homozygotes.

Submissions (5):

GeneDx
Classification: Uncertain significance. Last evaluated: 2025-04-20. Review status: criteria provided, single submitter. Criteria: GeneDx Variant Classification Process June 2021. Collection method: clinical testing. Allele origin: germline. Affected: yes.
Comment: In silico analysis supports that this missense variant has a deleterious effect on protein structure/function; Has not been previously published as pathogenic or benign to our knowledge

Ambry Genetics
Classification: Uncertain significance for Inborn genetic diseases. Last evaluated: 2025-02-04. Review status: criteria provided, single submitter. Criteria: Ambry Variant Classification Scheme 2023. Collection method: clinical testing. Allele origin: germline.

Labcorp Genetics (formerly Invitae), Labcorp
Classification: Uncertain significance for COG5-congenital disorder of glycosylation. Last evaluated: 2025-01-02. Review status: criteria provided, single submitter. Criteria: Invitae Variant Classification Sherloc (09022015). Collection method: clinical testing. Allele origin: germline.
Comment: This sequence change replaces tyrosine, which is neutral and polar, with cysteine, which is neutral and slightly polar, at codon 481 of the COG5 protein (p.Tyr481Cys). This variant is present in population databases (rs143592207, gnomAD 0.03%). This variant has not been reported in the literature in individuals affected with COG5-related conditions. ClinVar contains an entry for this variant (Variation ID: 358459). Invitae Evidence Modeling of protein sequence and biophysical properties (such as structural, functional, and spatial information, amino acid conservation, physicochemical variation, residue mobility, and thermodynamic stability) indicates that this missense variant is not expected to disrupt COG5 protein function with a negative predictive value of 80%. In summary, the available evidence is currently insufficient to determine the role of this variant in disease. Therefore, it has been classified as a Variant of Uncertain Significance.

Illumina Laboratory Services, Illumina
Classification: Uncertain significance for COG5-congenital disorder of glycosylation. Last evaluated: 2018-01-12. Review status: criteria provided, single submitter. Criteria: ICSL Variant Classification Criteria 13 December 2019. Collection method: clinical testing. Allele origin: germline.

Breakthrough Genomics
Classification: Uncertain significance. Review status: criteria provided, single submitter. Criteria: ACMG Guidelines, 2015. Collection method: not provided. Allele origin: germline. Inheritance: Autosomal recessive inheritance. Affected: yes.

NM_006348.5(COG5):c.1349A>G (p.Tyr450Cys)

Gene: COG5 (component of oligomeric golgi complex 5; minus strand). Cytogenetic location: 7q22.3.
Variant type: single nucleotide variant.
Coding change: c.1349A>G on transcript NM_006348.5 (MANE Select); coding-DNA position 1349, A replaced by G.
Protein change: p.Tyr450Cys; replaces tyrosine 450 with cysteine.
Molecular consequence: missense variant. On other transcripts: intron variant (1).
Genome position (GRCh38, 1-based): chr7:107,283,697, T>C on the plus strand (A>G on the coding strand, the complement: COG5 is on the minus strand). VCF-style: chr7-107283697-T-C. GRCh37 (hg19) VCF-style: chr7-106924142-T-C.
Other names: c.1349A>G, p.Tyr450Cys (NM_001161520.2, NM_001379512.1, NM_001379513.1 and 2 more transcripts); c.779A>G, p.Tyr260Cys (NM_001379515.1); c.635A>G, p.Tyr212Cys (NM_001379516.1); c.1314-2298A>G (NM_001379511.1); short protein forms Y481C, Y212C, Y260C, Y450C.
Identifiers: ClinVar variation 358459 (VCV000358459.11), dbSNP rs143592207, ClinGen allele CA4430927.